The following is an entry in ClinVar:

NM_022100.3(MRPS14):c.121C>T (p.Arg41Ter)

Gene: MRPS14 (mitochondrial ribosomal protein S14; minus strand). Cytogenetic location: 1q25.1.
Variant type: single nucleotide variant.
Coding change: c.121C>T on transcript NM_022100.3 (MANE Select); coding-DNA position 121, C replaced by T.
Protein change: p.Arg41Ter; replaces arginine 41 with a stop codon.
Molecular consequence: nonsense. On other transcripts: non-coding transcript variant (1).
Genome position (GRCh38, 1-based): chr1:175,018,501, G>A on the plus strand (C>T on the coding strand, the complement: MRPS14 is on the minus strand). VCF-style: chr1-175018501-G-A. GRCh37 (hg19) VCF-style: chr1-174987637-G-A.
Other names: short protein forms R41*.
Identifiers: ClinVar variation 3665598 (VCV003665598.2).
Genomic context (GRCh38, chr1:175,018,501, plus strand): 5'-TATTCTTCCTGAGTGAATTAATACGTAGCCTCTCATCTGCGTATTCATAGGCCATTTTTC[G>A]TCTCTTCACATCGCGCCACATTCTCCAGTCTACATAGTGACTTCGAACTTGGCCTGAAGC-3'

ClinVar aggregate classification (germline): Uncertain significance (1 of 4 stars; one submission).

gnomAD v4.1: 140 of 1,612,866 alleles (0.0087%); highest among the groups gnomAD compares: Non-Finnish European, 0.0075%; no homozygotes.

Submission:

Labcorp Genetics (formerly Invitae), Labcorp
Classification: Uncertain significance. Last evaluated: 2024-06-03. Review status: criteria provided, single submitter. Criteria: Invitae Variant Classification Sherloc (09022015). Collection method: clinical testing. Allele origin: germline.
Comment: This sequence change creates a premature translational stop signal (p.Arg41*) in the MRPS14 gene. It is expected to result in an absent or disrupted protein product. However, the current clinical and genetic evidence is not sufficient to establish whether loss-of-function variants in MRPS14 cause disease. This variant is present in population databases (rs200414977, gnomAD 0.07%), and has an allele count higher than expected for a pathogenic variant. This variant has not been reported in the literature in individuals affected with MRPS14-related conditions. In summary, the available evidence is currently insufficient to determine the role of this variant in disease. Therefore, it has been classified as a Variant of Uncertain Significance.